The following is an entry in ClinVar:

ClinVar aggregate classification (germline): Uncertain significance (1 of 4 stars; one submission).

gnomAD v4.1: 4 of 1,614,182 alleles (0.00025%); highest among the groups gnomAD compares: Admixed American, 0.0067%; no homozygotes.

Submission:

Labcorp Genetics (formerly Invitae), Labcorp
Classification: Uncertain significance. Last evaluated: 2022-05-17. Review status: criteria provided, single submitter. Criteria: Invitae Variant Classification Sherloc (09022015). Collection method: clinical testing. Allele origin: germline.
Comment: This sequence change replaces glutamic acid, which is acidic and polar, with glutamine, which is neutral and polar, at codon 1148 of the FAT2 protein (p.Glu1148Gln). Algorithms developed to predict the effect of missense changes on protein structure and function (SIFT, PolyPhen-2, Align-GVGD) all suggest that this variant is likely to be disruptive. This variant is present in population databases (rs768245088, gnomAD 0.01%). This variant has not been reported in the literature in individuals affected with FAT2-related conditions. In summary, the available evidence is currently insufficient to determine the role of this variant in disease. Therefore, it has been classified as a Variant of Uncertain Significance. Algorithms developed to predict the effect of sequence changes on RNA splicing suggest that this variant may create or strengthen a splice site.

NM_001447.3(FAT2):c.3442G>C (p.Glu1148Gln)

Gene: FAT2 (FAT atypical cadherin 2; minus strand). Cytogenetic location: 5q33.1.
Variant type: single nucleotide variant.
Coding change: c.3442G>C on transcript NM_001447.3 (MANE Select); coding-DNA position 3442, G replaced by C.
Protein change: p.Glu1148Gln; replaces glutamic acid 1148 with glutamine.
Molecular consequence: missense variant.
Genome position (GRCh38, 1-based): chr5:151,563,457, C>G on the plus strand (G>C on the coding strand, the complement: FAT2 is on the minus strand). VCF-style: chr5-151563457-C-G. GRCh37 (hg19) VCF-style: chr5-150943018-C-G.
Other names: short protein forms E1148Q.
Identifiers: ClinVar variation 1936735 (VCV001936735.5), dbSNP rs768245088, ClinGen allele CA3521833.